The following is an entry in ClinVar:

NM_005458.8(GABBR2):c.1639_1640del (p.Lys547fs)

Gene: GABBR2 (gamma-aminobutyric acid type B receptor subunit 2; minus strand). Cytogenetic location: 9q22.33.
Variant type: Deletion.
Coding change: c.1639_1640del on transcript NM_005458.8 (MANE Select); coding-DNA positions 1639 to 1640, 2 bases deleted (AA; older notation c.1639_1640delAA).
Protein change: p.Lys547fs; shifts the reading frame from lysine 547.
Molecular consequence: frameshift variant.
Genome position (GRCh38, 1-based): chr9:98,385,662-98,385,663, TT deleted on the plus strand (AA on the coding strand, the reverse complement: GABBR2 is on the minus strand); deleting any 2 consecutive bases within chr9:98,385,662-98,385,665 gives the same sequence; the c. name uses the placement nearest the transcript's 3' end. VCF-style (leftmost placement, unchanged base first): chr9-98385661-CTT-C. GRCh37 (hg19) VCF-style: chr9-101147943-CTT-C.
Other names: short protein forms K547fs.
Identifiers: ClinVar variation 3383806 (VCV003383806.1).

ClinVar aggregate classification (germline): Uncertain significance (1 of 4 stars; one submission).

Submission:

GeneDx
Classification: Uncertain significance. Last evaluated: 2024-05-30. Review status: criteria provided, single submitter. Criteria: GeneDx Variant Classification Process June 2021. Collection method: clinical testing. Allele origin: germline. Affected: yes.
Comment: Frameshift variant predicted to result in protein truncation or nonsense mediated decay in a gene or region of a gene for which loss of function is not a well-established mechanism of disease; Not observed at significant frequency in large population cohorts (gnomAD); Has not been previously published as pathogenic or benign to our knowledge